The following is an entry in ClinVar:

NM_004995.4(MMP14):c.1580T>C (p.Ile527Thr)

Gene: MMP14 (matrix metallopeptidase 14; plus strand). Cytogenetic location: 14q11.2.
Variant type: single nucleotide variant.
Coding change: c.1580T>C on transcript NM_004995.4 (MANE Select); coding-DNA position 1580, T replaced by C.
Protein change: p.Ile527Thr; replaces isoleucine 527 with threonine.
Molecular consequence: missense variant.
Genome position (GRCh38, 1-based): chr14:22,845,870, T>C. VCF-style: chr14-22845870-T-C. GRCh37 (hg19) VCF-style: chr14-23315079-T-C.
Other names: c.1580T>C (NM_004995.3); short protein forms I527T.
Identifiers: ClinVar variation 4055731 (VCV004055731.2).

ClinVar aggregate classification (germline): Uncertain significance. Review status: criteria provided, multiple submitters, no conflicts (2 of 4 stars). 2 submissions from 2 submitters: Uncertain significance (2). Last evaluated 2025-11-25.

Conditions:
MMP14-related disorder. Also called: MMP14-related condition.
Inborn genetic diseases. Identifiers: MedGen C0950123, MeSH D030342.

Submissions (2):

PreventionGenetics, part of Exact Sciences
Classification: Uncertain significance for MMP14-related condition. Last evaluated: 2025-11-25. Review status: criteria provided, single submitter. Criteria: ACMG Guidelines, 2015. Collection method: clinical testing. Allele origin: germline.
Comment: The MMP14 c.1580T>C variant is predicted to result in the amino acid substitution p.Ile527Thr. To our knowledge, this variant has not been reported in the literature. This variant is reported in 0.0033% of alleles in individuals of South Asian descent in gnomAD. At this time, the clinical significance of this variant is uncertain due to the absence of conclusive functional and genetic evidence.

Ambry Genetics
Classification: Uncertain significance for Inborn genetic diseases. Last evaluated: 2025-05-25. Review status: criteria provided, single submitter. Criteria: Ambry Variant Classification Scheme 2023. Collection method: clinical testing. Allele origin: germline.